The following is an entry in ClinVar:

NM_020944.3(GBA2):c.2413C>T (p.Gln805Ter)

Gene: GBA2 (glucosylceramidase beta 2; minus strand). Cytogenetic location: 9p13.3.
Variant type: single nucleotide variant.
Coding change: c.2413C>T on transcript NM_020944.3 (MANE Select); coding-DNA position 2413, C replaced by T.
Protein change: p.Gln805Ter; replaces glutamine 805 with a stop codon.
Molecular consequence: nonsense.
Genome position (GRCh38, 1-based): chr9:35,737,840, G>A on the plus strand (C>T on the coding strand, the complement: GBA2 is on the minus strand). VCF-style: chr9-35737840-G-A. GRCh37 (hg19) VCF-style: chr9-35737837-G-A.
Other names: c.2413C>T, p.Gln805Ter (NM_001330660.2); short protein forms Q805*.
Identifiers: ClinVar variation 620390 (VCV000620390.4), dbSNP rs774411642, ClinGen allele CA5050105.

ClinVar aggregate classification (germline): Pathogenic (1 of 4 stars; one submission).

Allele frequency attached by ClinVar (database versions not stated): gnomAD exomes below 0.00001 and 0.00001; TOPMed below 0.00001; ExAC 0.00001; gnomAD 0.00001.
gnomAD v4.1: 7 of 1,613,354 alleles (0.00043%); highest among the groups gnomAD compares: Non-Finnish European, 0.00059%; no homozygotes.

Submission:

GeneDx
Classification: Pathogenic. Last evaluated: 2022-03-14. Review status: criteria provided, single submitter. Criteria: GeneDx Variant Classification Process June 2021. Collection method: clinical testing. Allele origin: germline. Affected: yes.
Comment: Nonsense variant predicted to result in protein truncation or nonsense mediated decay in a gene for which loss-of-function is a known mechanism of disease; Not observed at significant frequency in large population cohorts (gnomAD); Has not been previously published as pathogenic or benign to our knowledge